The following is an entry in ClinVar:

NM_001204.7(BMPR2):c.2423G>A (p.Gly808Asp)

Gene: BMPR2 (bone morphogenetic protein receptor type 2; plus strand). Cytogenetic location: 2q33.2.
Variant type: single nucleotide variant.
Coding change: c.2423G>A on transcript NM_001204.7 (MANE Select); coding-DNA position 2423, G replaced by A.
Protein change: p.Gly808Asp; replaces glycine 808 with aspartic acid.
Molecular consequence: missense variant.
Genome position (GRCh38, 1-based): chr2:202,556,088, G>A. VCF-style: chr2-202556088-G-A. GRCh37 (hg19) VCF-style: chr2-203420811-G-A.
Other names: short protein forms G808D.
Identifiers: ClinVar variation 4214477 (VCV004214477.1).

ClinVar aggregate classification (germline): Uncertain significance (1 of 4 stars; one submission).

Conditions:
Inborn genetic diseases. Identifiers: MedGen C0950123, MeSH D030342.

Submission:

Ambry Genetics
Classification: Uncertain significance for Inborn genetic diseases. Last evaluated: 2025-08-02. Review status: criteria provided, single submitter. Criteria: Ambry Variant Classification Scheme 2023. Collection method: clinical testing. Allele origin: germline.
Comment: The p.G808D variant (also known as c.2423G>A), located in coding exon 12 of the BMPR2 gene, results from a G to A substitution at nucleotide position 2423. The glycine at codon 808 is replaced by aspartic acid, an amino acid with similar properties. This amino acid position is conserved. In addition, the in silico prediction for this alteration is inconclusive. Based on the available evidence, the clinical significance of this variant remains unclear.